The following is an entry in ClinVar:

ClinVar aggregate classification (germline): Uncertain significance. Review status: criteria provided, multiple submitters, no conflicts (2 of 4 stars). 3 submissions from 3 submitters: Uncertain significance (3). Last evaluated 2025-10-23.

Conditions:
Hereditary cancer-predisposing syndrome. Also called: Hereditary Cancer Syndrome; Neoplastic Syndromes, Hereditary; Tumor predisposition; Hereditary neoplastic syndrome. Identifiers: Orphanet 140162, MedGen C0027672, MeSH D009386, MONDO:0015356.
Microcephaly, normal intelligence and immunodeficiency (NBS). Also called: IMMUNODEFICIENCY, MICROCEPHALY, AND CHROMOSOMAL INSTABILITY; SEEMANOVA SYNDROME II; Immunodeficiency, microcephaly with normal intelligence; Ataxia telangiectasia variant V1; Nijmegen breakage syndrome; Microcephaly with normal intelligence immunodeficiency and lymphoreticular malignancies. Identifiers: Orphanet 647, MedGen C0398791, MONDO:0009623, OMIM 251260.

Allele frequency attached by ClinVar (database versions not stated): gnomAD exomes below 0.00001; TOPMed below 0.00001.
gnomAD v4.1: 2 of 1,613,124 alleles (0.00012%); highest among the groups gnomAD compares: Non-Finnish European, 0.00017%; no homozygotes.

Submissions (3):

Ambry Genetics
Classification: Uncertain significance for Hereditary cancer-predisposing syndrome. Last evaluated: 2025-10-23. Review status: criteria provided, single submitter. Criteria: Ambry Variant Classification Scheme 2023. Collection method: clinical testing. Allele origin: germline.
Comment: The p.G12E variant (also known as c.35G>A), located in coding exon 1 of the NBN gene, results from a G to A substitution at nucleotide position 35. The glycine at codon 12 is replaced by glutamic acid, an amino acid with similar properties. This amino acid position is poorly conserved in available vertebrate species. In addition, this alteration is predicted to be tolerated by in silico analysis. Since supporting evidence is limited at this time, the clinical significance of this alteration remains unclear.

Labcorp Genetics (formerly Invitae), Labcorp
Classification: Uncertain significance for Microcephaly, normal intelligence and immunodeficiency. Last evaluated: 2024-04-13. Review status: criteria provided, single submitter. Criteria: Invitae Variant Classification Sherloc (09022015). Collection method: clinical testing. Allele origin: germline.
Comment: This sequence change replaces glycine, which is neutral and non-polar, with glutamic acid, which is acidic and polar, at codon 12 of the NBN protein (p.Gly12Glu). This variant is not present in population databases (gnomAD no frequency). This variant has not been reported in the literature in individuals affected with NBN-related conditions. ClinVar contains an entry for this variant (Variation ID: 186794). An algorithm developed to predict the effect of missense changes on protein structure and function (PolyPhen-2) suggests that this variant is likely to be tolerated. In summary, the available evidence is currently insufficient to determine the role of this variant in disease. Therefore, it has been classified as a Variant of Uncertain Significance.

Genome-Nilou Lab
Classification: Uncertain significance for Microcephaly, normal intelligence and immunodeficiency. Last evaluated: 2021-11-07. Review status: criteria provided, single submitter. Criteria: ACMG Guidelines, 2015. Collection method: clinical testing. Allele origin: germline. Affected: no.

NM_002485.5(NBN):c.35G>A (p.Gly12Glu)

Gene: NBN (nibrin; minus strand). Cytogenetic location: 8q21.3.
Variant type: single nucleotide variant.
Coding change: c.35G>A on transcript NM_002485.5 (MANE Select); coding-DNA position 35, G replaced by A.
Protein change: p.Gly12Glu; replaces glycine 12 with glutamic acid.
Molecular consequence: missense variant. On other transcripts: 5 prime UTR variant (1).
Genome position (GRCh38, 1-based): chr8:89,984,527, C>T on the plus strand (G>A on the coding strand, the complement: NBN is on the minus strand). VCF-style: chr8-89984527-C-T. GRCh37 (hg19) VCF-style: chr8-90996755-C-T.
Other names: c.-262G>A (NM_001024688.3); short protein forms G12E.
Identifiers: ClinVar variation 186794 (VCV000186794.11), dbSNP rs730881860, ClinGen allele CA195890.